The following is an entry in ClinVar:

NM_001184.4(ATR):c.5329G>A (p.Ala1777Thr)

Gene: ATR (ATR checkpoint kinase; minus strand). Cytogenetic location: 3q23.
Variant type: single nucleotide variant.
Coding change: c.5329G>A on transcript NM_001184.4 (MANE Select); coding-DNA position 5329, G replaced by A.
Protein change: p.Ala1777Thr; replaces alanine 1777 with threonine.
Molecular consequence: missense variant.
Genome position (GRCh38, 1-based): chr3:142,499,678, C>T on the plus strand (G>A on the coding strand, the complement: ATR is on the minus strand). VCF-style: chr3-142499678-C-T. GRCh37 (hg19) VCF-style: chr3-142218520-C-T.
Other names: c.5137G>A, p.Ala1713Thr (NM_001354579.2); short protein forms A1777T, A1713T.
Identifiers: ClinVar variation 1746858 (VCV001746858.2), dbSNP rs2473169811, ClinGen allele CA354817052.
Genomic context (GRCh38, chr3:142,499,678, plus strand): 5'-TAATTTTACCTGCTGCCAAATAGTTTTCCACCAAATCCCACTGTGACAATTTCCAAGCTG[C>T]TTCCACTCTGTACGTGTTTAATTCATCTGTCCACTCGGACCTATTAAAAGAAACCCATAT-3'
Protein context (NP_001175.2, residues 1767-1787): TDELNTYRVE[Ala1777Thr]AWKLSQWDLV

ClinVar aggregate classification (germline): Uncertain significance (1 of 4 stars; one submission).

Conditions:
Inborn genetic diseases. Identifiers: MedGen C0950123, MeSH D030342.

Submission:

Ambry Genetics
Classification: Uncertain significance for Inborn genetic diseases. Last evaluated: 2022-09-28. Review status: criteria provided, single submitter. Criteria: Ambry Variant Classification Scheme 2023. Collection method: clinical testing. Allele origin: germline.
Comment: The p.A1777T variant (also known as c.5329G>A), located in coding exon 31 of the ATR gene, results from a G to A substitution at nucleotide position 5329. The alanine at codon 1777 is replaced by threonine, an amino acid with similar properties. This amino acid position is conserved. In addition, the in silico prediction for this alteration is inconclusive. Since supporting evidence is limited at this time, the clinical significance of this alteration remains unclear.